The following is an entry in ClinVar:

ClinVar aggregate classification (germline): Uncertain significance (1 of 4 stars; one submission).

gnomAD v4.1: 2 of 1,577,166 alleles (0.00013%); highest among the groups gnomAD compares: African/African-American, 0.0027%; no homozygotes.

Submission:

Dasa
Classification: Uncertain significance. Last evaluated: 2025-10-30. Review status: criteria provided, single submitter. Criteria: DASA Assertion Criteria. Collection method: clinical testing. Allele origin: germline.
Comment: NM_006386.5(DDX17):c.143C>T (p.Ala48Val) is a missense variant that results in the substitution of alanine with valine. This variant is rare in population databases. Computational prediction algorithms are consistent with a benign effect. The currently available literature and clinical evidence are not sufficient to establish a definitive association between this variant and the reported condition. Therefore, this variant is classified as a variant of uncertain significance.

NM_006386.5(DDX17):c.143C>T (p.Ala48Val)

Gene: DDX17 (DEAD-box helicase 17; minus strand). Cytogenetic location: 22q13.1.
Variant type: single nucleotide variant.
Coding change: c.143C>T on transcript NM_006386.5 (MANE Select); coding-DNA position 143, C replaced by T.
Protein change: p.Ala48Val; replaces alanine 48 with valine.
Molecular consequence: missense variant.
Genome position (GRCh38, 1-based): chr22:38,506,095, G>A on the plus strand (C>T on the coding strand, the complement: DDX17 is on the minus strand). VCF-style: chr22-38506095-G-A. GRCh37 (hg19) VCF-style: chr22-38902100-G-A.
Other names: c.143C>T, p.Ala48Val (NM_001098504.2); short protein forms A48V.
Identifiers: ClinVar variation 4883840 (VCV004883840.2).